The following is an entry in ClinVar:

NM_138694.4(PKHD1):c.23T>C (p.Leu8Pro)

Gene: PKHD1 (PKHD1 ciliary IPT domain containing fibrocystin/polyductin; minus strand). Cytogenetic location: 6p12.2.
Variant type: single nucleotide variant.
Coding change: c.23T>C on transcript NM_138694.4 (MANE Select); coding-DNA position 23, T replaced by C.
Protein change: p.Leu8Pro; replaces leucine 8 with proline.
Molecular consequence: missense variant.
Genome position (GRCh38, 1-based): chr6:52,084,911, A>G on the plus strand (T>C on the coding strand, the complement: PKHD1 is on the minus strand). VCF-style: chr6-52084911-A-G. GRCh37 (hg19) VCF-style: chr6-51949709-A-G.
Other names: c.23T>C, p.Leu8Pro (NM_170724.3); short protein forms L8P.
Identifiers: ClinVar variation 528300 (VCV000528300.17), dbSNP rs750588859, ClinGen allele CA3854076.
Genomic context (GRCh38, chr6:52,084,911, plus strand): 5'-CTATAATTCCTTCAAAACACATTCTACTGACCTGCCAAAAGTAGTACTTCAATACTCATC[A>G]GAGAGATCAGCCAGGCAGTCATTCTGTCCACTTAAATCAATACTCTTAAGATTGCTCAGA-3'
Protein context (NP_619639.3, residues 1-18): MTAWLIS[Leu8Pro]MSIEVLLLAV

ClinVar aggregate classification (germline): Conflicting classifications of pathogenicity. Review status: criteria provided, conflicting classifications (1 of 4 stars). 8 submissions from 8 submitters: Likely pathogenic (3); Uncertain significance (4). 1 of the submissions does not count toward it. Last evaluated 2026-05-07.

Conditions:
PKHD1-related disorder. Also called: PKHD1-related condition.
Polycystic kidney disease 4 (PKD4). Also called: Autosomal Recessive Polycystic Kidney Disease – PKHD1; POLYCYSTIC KIDNEY AND HEPATIC DISEASE 1; POLYCYSTIC KIDNEY DISEASE, INFANTILE, TYPE I; POLYCYSTIC KIDNEY DISEASE 4 WITH OR WITHOUT POLYCYSTIC LIVER DISEASE; PKD3. Identifiers: MedGen C4540575, MONDO:0033004, OMIM 263200.
Autosomal recessive polycystic kidney disease (ARPKD). Also called: AR polycystic kidney disease. Identifiers: Orphanet 731, Orphanet 8378, MedGen C0085548, MeSH D017044, MONDO:0009889.

Allele frequency attached by ClinVar (database versions not stated): ExAC 0.00001; gnomAD exomes 0.00001 and 0.00002; TOPMed 0.00003.
gnomAD v4.1: 38 of 1,607,428 alleles (0.0024%); highest among the groups gnomAD compares: Non-Finnish European, 0.0028%; no homozygotes.

Submissions (8):

Myriad Genetics, Inc.
Classification: Uncertain significance for Polycystic kidney disease 4. Last evaluated: 2026-05-07. Review status: criteria provided, single submitter. Criteria: Myriad Autosomal Dominant, Autosomal Recessive and X-Linked Classification Criteria (2023). Collection method: clinical testing. Allele origin: unknown.
Comment: NM_138694.3(PKHD1):c.23T>C(L8P) is a missense variant classified as a variant of uncertain significance in the context of autosomal recessive polycystic kidney disease, PKHD1-related. L8P has been observed in a case with relevant disease (PMID: 33940108, 38224954). Relevant functional assessments of this variant are not available in the literature. L8P has been observed in referenced population frequency databases. In summary, there is insufficient evidence to classify NM_138694.3(PKHD1):c.23T>C(L8P) as pathogenic or benign. Please note: this variant was assessed in the context of healthy population screening.

Natera, Inc.
Classification: Likely pathogenic for Autosomal recessive polycystic kidney disease. Last evaluated: 2025-09-15. Review status: criteria provided, single submitter. Criteria: Natera Variant Classification Schema (03/2026). Collection method: clinical testing. Allele origin: germline.
Comment: The c.23T>C variant in PKHD1 is a missense variant predicted to cause substitution of leucine to proline at amino acid 8. This variant is rare in the general population with a frequency below the threshold expected for the associated phenotype(s). This variant has been observed in one or more individuals affected with the associated recessive disease, as either homozygous or compound heterozygous with a second variant (PMID: 33940108, 38224954). Given the available evidence, this variant is classified as Likely Pathogenic.

Revvity Omics, Revvity
Classification: Uncertain significance for Polycystic kidney disease 4. Last evaluated: 2025-02-07. Review status: criteria provided, single submitter. Criteria: ACMG Guidelines, 2015. Collection method: clinical testing. Allele origin: germline.

Fulgent Genetics
Classification: Likely pathogenic for Polycystic kidney disease 4. Last evaluated: 2024-05-03. Review status: criteria provided, single submitter. Criteria: ACMG Guidelines, 2015. Collection method: clinical testing. Allele origin: germline.

GeneDx
Classification: Likely pathogenic. Last evaluated: 2024-03-11. Review status: criteria provided, single submitter. Criteria: GeneDx Variant Classification Process June 2021. Collection method: clinical testing. Allele origin: germline. Affected: yes.
Comment: Not observed at significant frequency in large population cohorts (gnomAD); In silico analysis supports that this missense variant has a deleterious effect on protein structure/function; This variant is associated with the following publications: (PMID: 33940108)

Blueprint Genetics
Classification: Uncertain significance. Last evaluated: 2023-11-13. Review status: criteria provided, single submitter. Criteria: ACMG Guidelines, 2015. Collection method: clinical testing. Allele origin: germline.

Labcorp Genetics (formerly Invitae), Labcorp
Classification: Uncertain significance for Autosomal recessive polycystic kidney disease. Last evaluated: 2021-08-31. Review status: criteria provided, single submitter. Criteria: Invitae Variant Classification Sherloc (09022015). Collection method: clinical testing. Allele origin: germline.
Comment: This sequence change replaces leucine with proline at codon 8 of the PKHD1 protein (p.Leu8Pro). The leucine residue is moderately conserved and there is a moderate physicochemical difference between leucine and proline. This variant is present in population databases (rs750588859, ExAC 0.001%). This missense change has been observed in individual(s) with polycystic kidney disease (Invitae). Algorithms developed to predict the effect of missense changes on protein structure and function are either unavailable or do not agree on the potential impact of this missense change (SIFT: "Deleterious"; PolyPhen-2: "Probably Damaging"; Align-GVGD: "Class C0"). In summary, the available evidence is currently insufficient to determine the role of this variant in disease. Therefore, it has been classified as a Variant of Uncertain Significance.

PreventionGenetics, part of Exact Sciences
Classification: Likely pathogenic for PKHD1-related condition. Last evaluated: 2023-12-01. Review status: no assertion criteria provided. Collection method: clinical testing. Allele origin: germline. Not counted in ClinVar's aggregate classification.
Comment: The PKHD1 c.23T>C variant is predicted to result in the amino acid substitution p.Leu8Pro. With a frameshifting variant, this variant has been reported in an individual with autosomal recessive polycystic kidney disease (ARPKD) (Burgmaier et al. 2021. PubMed ID: 33940108, Supplementary Table). This variant is reported in 0.0026% of alleles in individuals of European (Non-Finnish) descent in gnomAD. This variant is interpreted as likely pathogenic.

Literature cited by the submitters: PubMed 33940108 (cited by Myriad Genetics, Inc. and Natera, Inc.); PubMed 38224954 (cited by Myriad Genetics, Inc. and Natera, Inc.).